The following is an entry in ClinVar:

ClinVar aggregate classification (germline): Uncertain significance. Review status: criteria provided, multiple submitters, no conflicts (2 of 4 stars). 6 submissions from 4 submitters: Uncertain significance (6). Last evaluated 2025-01-20.

Conditions:
Usher syndrome type 1 (USH1). Also called: RETINITIS PIGMENTOSA AND CONGENITAL DEAFNESS. Identifiers: Orphanet 231169, Orphanet 886, MedGen C1568247, MONDO:0010168, OMIM 276900.
Autosomal dominant nonsyndromic hearing loss 11. Identifiers: Orphanet 90635, MedGen C1832475, MONDO:0011032, OMIM 601317.
Autosomal recessive nonsyndromic hearing loss 2. Also called: NEUROSENSORY NONSYNDROMIC RECESSIVE DEAFNESS 2; DEAFNESS, AUTOSOMAL RECESSIVE 2. Identifiers: Orphanet 90636, MedGen C1838701, MONDO:0010807, OMIM 600060.

Allele frequency attached by ClinVar (database versions not stated): gnomAD 0.00001; TOPMed 0.00001; gnomAD exomes 0.00002 and 0.00006; ExAC 0.00006.
gnomAD v4.1: 87 of 1,587,126 alleles (0.0055%); highest among the groups gnomAD compares: Non-Finnish European, 0.0072%; no homozygotes.

Submissions (6):

Labcorp Genetics (formerly Invitae), Labcorp
Classification: Uncertain significance. Last evaluated: 2025-01-20. Review status: criteria provided, single submitter. Criteria: Invitae Variant Classification Sherloc (09022015). Collection method: clinical testing. Allele origin: germline.
Comment: This sequence change replaces glutamine, which is neutral and polar, with histidine, which is basic and polar, at codon 2200 of the MYO7A protein (p.Gln2200His). This variant is present in population databases (rs779431269, gnomAD 0.005%). This variant has not been reported in the literature in individuals affected with MYO7A-related conditions. ClinVar contains an entry for this variant (Variation ID: 306203). Invitae Evidence Modeling of protein sequence and biophysical properties (such as structural, functional, and spatial information, amino acid conservation, physicochemical variation, residue mobility, and thermodynamic stability) indicates that this missense variant is not expected to disrupt MYO7A protein function with a negative predictive value of 95%. In summary, the available evidence is currently insufficient to determine the role of this variant in disease. Therefore, it has been classified as a Variant of Uncertain Significance.

GeneDx
Classification: Uncertain significance. Last evaluated: 2023-03-27. Review status: criteria provided, single submitter. Criteria: GeneDx Variant Classification Process June 2021. Collection method: clinical testing. Allele origin: germline. Affected: yes.
Comment: In silico analysis supports that this missense variant has a deleterious effect on protein structure/function; Has not been previously published as pathogenic or benign to our knowledge

Blueprint Genetics
Classification: Uncertain significance. Last evaluated: 2022-10-04. Review status: criteria provided, single submitter. Criteria: ACMG Guidelines, 2015. Collection method: clinical testing. Allele origin: germline.

Illumina Laboratory Services, Illumina
Classification: Uncertain significance for Autosomal recessive nonsyndromic hearing loss 2. Last evaluated: 2018-01-13. Review status: criteria provided, single submitter. Criteria: ICSL Variant Classification Criteria 13 December 2019. Collection method: clinical testing. Allele origin: germline.

Illumina Laboratory Services, Illumina
Classification: Uncertain significance for Usher syndrome type 1. Last evaluated: 2018-01-13. Review status: criteria provided, single submitter. Criteria: ICSL Variant Classification Criteria 13 December 2019. Collection method: clinical testing. Allele origin: germline.

Illumina Laboratory Services, Illumina
Classification: Uncertain significance for Autosomal dominant nonsyndromic hearing loss 11. Last evaluated: 2018-01-13. Review status: criteria provided, single submitter. Criteria: ICSL Variant Classification Criteria 13 December 2019. Collection method: clinical testing. Allele origin: germline.

NM_000260.4(MYO7A):c.6600G>C (p.Gln2200His)

Gene: MYO7A (myosin VIIA; plus strand). Cytogenetic location: 11q13.5.
Variant type: single nucleotide variant.
Coding change: c.6600G>C on transcript NM_000260.4 (MANE Select); coding-DNA position 6600, G replaced by C.
Protein change: p.Gln2200His; replaces glutamine 2200 with histidine.
Molecular consequence: missense variant.
Genome position (GRCh38, 1-based): chr11:77,214,648, G>C. VCF-style: chr11-77214648-G-C. GRCh37 (hg19) VCF-style: chr11-76925693-G-C.
Other names: c.6480G>C, p.Gln2160His (NM_001127180.2); c.6453G>C, p.Gln2151His (NM_001369365.1); short protein forms Q2200H, Q2151H, Q2160H.
Identifiers: ClinVar variation 306203 (VCV000306203.12), dbSNP rs779431269, ClinGen allele CA6199133.